The following is an entry in ClinVar:

ClinVar aggregate classification (germline): Conflicting classifications of pathogenicity. Review status: criteria provided, conflicting classifications (1 of 4 stars). 4 submissions from 4 submitters: Uncertain significance (2); Likely benign (2). Last evaluated 2024-05-13.

Conditions:
Hereditary cancer-predisposing syndrome. Also called: Neoplastic Syndromes, Hereditary; Tumor predisposition; Hereditary Cancer Syndrome; Hereditary neoplastic syndrome. Identifiers: Orphanet 140162, MedGen C0027672, MeSH D009386, MONDO:0015356.
Hereditary breast ovarian cancer syndrome. Also called: Hereditary breast and ovarian cancer syndrome; Hereditary breast and ovarian cancer; Hereditary breast and ovarian cancer syndrome (HBOC); Breast and ovarian cancer; Hereditary breast and/or ovarian cancer syndrome; BRCA1- and BRCA2-Associated Hereditary Breast and Ovarian Cancer. Identifiers: Orphanet 145, MedGen C0677776, MeSH D061325, MONDO:0003582. Disease mechanism: loss of function.

Allele frequency attached by ClinVar (database versions not stated): gnomAD exomes below 0.00001; ExAC 0.00001.
gnomAD v4.1: 1 of 1,596,782 alleles (0.000063%); highest among the groups gnomAD compares: Admixed American, 0.0017%; no homozygotes.

Submissions (4):

Labcorp Genetics (formerly Invitae), Labcorp
Classification: Uncertain significance for Hereditary breast ovarian cancer syndrome. Last evaluated: 2024-05-13. Review status: criteria provided, single submitter. Criteria: Invitae Variant Classification Sherloc (09022015). Collection method: clinical testing. Allele origin: germline.
Comment: This sequence change replaces isoleucine, which is neutral and non-polar, with threonine, which is neutral and polar, at codon 1418 of the BRCA2 protein (p.Ile1418Thr). This variant is present in population databases (rs754119978, gnomAD 0.003%). This variant has not been reported in the literature in individuals affected with BRCA2-related conditions. ClinVar contains an entry for this variant (Variation ID: 483111). Advanced modeling of protein sequence and biophysical properties (such as structural, functional, and spatial information, amino acid conservation, physicochemical variation, residue mobility, and thermodynamic stability) performed at Invitae indicates that this missense variant is not expected to disrupt BRCA2 protein function with a negative predictive value of 95%. In summary, the available evidence is currently insufficient to determine the role of this variant in disease. Therefore, it has been classified as a Variant of Uncertain Significance.

Ambry Genetics
Classification: Likely benign for Hereditary cancer-predisposing syndrome. Last evaluated: 2024-03-19. Review status: criteria provided, single submitter. Criteria: Ambry Variant Classification Scheme 2023. Collection method: clinical testing. Allele origin: germline.

University of Washington Department of Laboratory Medicine, University of Washington
Classification: Likely benign for Hereditary cancer-predisposing syndrome. Last evaluated: 2023-03-23. Review status: criteria provided, single submitter. Criteria: Dines et al. (Genet Med. 2020). Collection method: curation. Allele origin: germline.
Comment: Missense variant in a coldspot region where missense variants are very unlikely to be pathogenic (PMID:31911673).

BRCA2 exon 11 coldspot. Reclassification based on statistical prior probability.

Color Diagnostics, LLC DBA Color Health
Classification: Uncertain significance for Hereditary cancer-predisposing syndrome. Last evaluated: 2019-02-26. Review status: criteria provided, single submitter. Criteria: ACMG Guidelines, 2015. Collection method: clinical testing. Allele origin: germline.

NM_000059.4(BRCA2):c.4253T>C (p.Ile1418Thr)

Gene: BRCA2 (BRCA2 DNA repair associated; plus strand). Cytogenetic location: 13q13.1.
Variant type: single nucleotide variant.
Coding change: c.4253T>C on transcript NM_000059.4 (MANE Select); coding-DNA position 4253, T replaced by C.
Protein change: p.Ile1418Thr; replaces isoleucine 1418 with threonine.
Molecular consequence: missense variant.
Genome position (GRCh38, 1-based): chr13:32,338,608, T>C. VCF-style: chr13-32338608-T-C. GRCh37 (hg19) VCF-style: chr13-32912745-T-C.
Other names: short protein forms I1418T.
Identifiers: ClinVar variation 483111 (VCV000483111.13), dbSNP rs754119978, ClinGen allele CA6940764.
Genomic context (GRCh38, chr13:32,338,608, plus strand): 5'-CATGTCATGGTAATACTTCAAATAAAGAACAGTTAACTGCTACTAAAACGGAGCAAAATA[T>C]AAAAGATTTTGAGACTTCTGATACATTTTTTCAGACTGCAAGTGGGAAAAATATTAGTGT-3'
Protein context (NP_000050.3, residues 1408-1428): QLTATKTEQN[Ile1418Thr]KDFETSDTFF